The following is an entry in ClinVar:

NM_001372.4(DNAH9):c.7527C>G (p.Tyr2509Ter)

Gene: DNAH9 (dynein axonemal heavy chain 9; plus strand). Cytogenetic location: 17p12.
Variant type: single nucleotide variant.
Coding change: c.7527C>G on transcript NM_001372.4 (MANE Select); coding-DNA position 7527, C replaced by G.
Protein change: p.Tyr2509Ter; replaces tyrosine 2509 with a stop codon.
Molecular consequence: nonsense.
Genome position (GRCh38, 1-based): chr17:11,769,304, C>G. VCF-style: chr17-11769304-C-G. GRCh37 (hg19) VCF-style: chr17-11672621-C-G.
Other names: short protein forms Y2509*.
Identifiers: ClinVar variation 4796955 (VCV004796955.1).

ClinVar aggregate classification (germline): Pathogenic (1 of 4 stars; one submission).

gnomAD v4.1: 3 of 1,613,650 alleles (0.00019%); highest among the groups gnomAD compares: Admixed American, 0.005%; no homozygotes.

Submission:

Labcorp Genetics (formerly Invitae), Labcorp
Classification: Pathogenic. Last evaluated: 2025-12-04. Review status: criteria provided, single submitter. Criteria: Invitae Variant Classification Sherloc (09022015). Collection method: clinical testing. Allele origin: germline.
Comment: This sequence change creates a premature translational stop signal (p.Tyr2509*) in the DNAH9 gene. It is expected to result in an absent or disrupted protein product. Loss-of-function variants in DNAH9 are known to be pathogenic (PMID: 30471718). This variant is present in population databases (rs753883115, gnomAD 0.006%). This variant has not been reported in the literature in individuals affected with DNAH9-related conditions. For these reasons, this variant has been classified as Pathogenic.

Literature cited by the submitters: PubMed 30471718.